The following is an entry in ClinVar:

ClinVar aggregate classification (germline): Uncertain significance (1 of 4 stars; one submission).

Conditions:
Neurodevelopmental disorder with speech impairment and with or without seizures. Also called: Neurodevelopmental disorder with variable intellectual disability and speech impairment, with or without seizures. Identifiers: MedGen C5774252, MONDO:0859313, OMIM 620114.

gnomAD v4.1: 13 of 1,613,692 alleles (0.00081%); highest among the groups gnomAD compares: African/African-American, 0.0027%; no homozygotes.

Submission:

Neuberg Centre For Genomic Medicine, NCGM
Classification: Uncertain significance for Neurodevelopmental disorder with speech impairment and with or without seizures. Last evaluated: 2023-07-22. Review status: criteria provided, single submitter. Criteria: ACMG Guidelines, 2015. Collection method: clinical testing. Allele origin: germline. Inheritance: Autosomal dominant inheritance. Affected: yes.
Comment: The observed missense variant c.586C>Tp.Arg196Trp in CACNA1I gene has not been reported previously as a pathogenic variant nor as a benign variant, to our knowledge. This variant is reported with 0.0001% allele frequency in gnomAD Exomes. The amino acid Arg at position 196 is changed to a Trp changing protein sequence and it might alter its composition and physico-chemical properties. Multiple lines of computational evidence Polyphen-probably damaging, SIFT-damaging and Mutation Taster-disease causing predict a damaging effect on protein structure and function for this variant. The reference amino acid p.Arg196Trp in CACNA1I is predicted as conserved by GERP++ and PhyloP across 100 vertebrates. For these reasons, this variant has been classified as Uncertain Significance.

NM_021096.4(CACNA1I):c.586C>T (p.Arg196Trp)

Gene: CACNA1I (calcium voltage-gated channel subunit alpha1 I; plus strand). Cytogenetic location: 22q13.1.
Variant type: single nucleotide variant.
Coding change: c.586C>T on transcript NM_021096.4 (MANE Select); coding-DNA position 586, C replaced by T.
Protein change: p.Arg196Trp; replaces arginine 196 with tryptophan.
Molecular consequence: missense variant.
Genome position (GRCh38, 1-based): chr22:39,634,570, C>T. VCF-style: chr22-39634570-C-T. GRCh37 (hg19) VCF-style: chr22-40030575-C-T.
Other names: c.586C>T, p.Arg196Trp (NM_001003406.2); short protein forms R196W.
Identifiers: ClinVar variation 3391339 (VCV003391339.1).